The following is an entry in ClinVar:

NM_000059.4(BRCA2):c.3832_3837del (p.His1278_Asn1279del)

Gene: BRCA2 (BRCA2 DNA repair associated; plus strand). Cytogenetic location: 13q13.1.
Variant type: Deletion.
Coding change: c.3832_3837del on transcript NM_000059.4 (MANE Select); coding-DNA positions 3832 to 3837, 6 bases deleted (CATAAT; older notation c.3832_3837delCATAAT).
Protein change: p.His1278_Asn1279del.
Molecular consequence: inframe deletion. On other transcripts: inframe indel (1), non-coding transcript variant (1), intron variant (2).
Genome position (GRCh38, 1-based): chr13:32,338,187-32,338,192, CATAAT deleted; deleting any 6 consecutive bases within chr13:32,338,184-32,338,192 gives the same sequence; the c. name uses the placement nearest the transcript's 3' end. VCF-style (leftmost placement, unchanged base first): chr13-32338183-AAATCAT-A. GRCh37 (hg19) VCF-style: chr13-32912320-AAATCAT-A.
Other names: c.3832_3837del (NM_000059.3); c.3832_3837delCATAAT, p.His1278_Asn1279del (NM_000059.3); c.3832_3837del, p.His1278_Asn1279del (NM_001406719.1, NM_001406720.1); c.1909+4800_1909+4805del (NM_001406721.1); c.425-6371_425-6366del (NM_001406722.1).
Identifiers: ClinVar variation 2987788 (VCV002987788.4), dbSNP rs1159104528, ClinGen allele CA697331526.

ClinVar aggregate classification (germline): Uncertain significance. Review status: criteria provided, multiple submitters, no conflicts (2 of 4 stars). 2 submissions from 2 submitters: Uncertain significance (2). Last evaluated 2024-02-21.

Conditions:
Hereditary breast ovarian cancer syndrome. Also called: Hereditary breast and ovarian cancer; Hereditary breast and ovarian cancer syndrome (HBOC); Breast and ovarian cancer; Hereditary breast and/or ovarian cancer syndrome; Hereditary breast and ovarian cancer syndrome; BRCA1- and BRCA2-Associated Hereditary Breast and Ovarian Cancer. Identifiers: Orphanet 145, MedGen C0677776, MeSH D061325, MONDO:0003582. Disease mechanism: loss of function.

Submissions (2):

Quest Diagnostics Nichols Institute San Juan Capistrano
Classification: Uncertain significance. Last evaluated: 2024-02-21. Review status: criteria provided, single submitter. Criteria: Quest Diagnostics criteria. Collection method: clinical testing. Allele origin: unknown.
Comment: The BRCA2 c.3832_3837del (p.His1278_Asn1279del) variant has not been reported in individuals with BRCA2-related conditions in the published literature. The frequency of this variant in the general population, 0.0000066 (1/152224 chromosomes (Genome Aggregation Database)), is uninformative in the assessment of its pathogenicity. Based on the available information, we are unable to determine the clinical significance of this variant.

Labcorp Genetics (formerly Invitae), Labcorp
Classification: Uncertain significance for Hereditary breast ovarian cancer syndrome. Last evaluated: 2022-11-30. Review status: criteria provided, single submitter. Criteria: Invitae Variant Classification Sherloc (09022015). Collection method: clinical testing. Allele origin: germline.
Comment: In summary, the available evidence is currently insufficient to determine the role of this variant in disease. Therefore, it has been classified as a Variant of Uncertain Significance. Experimental studies and prediction algorithms are not available or were not evaluated, and the functional significance of this variant is currently unknown. This variant has not been reported in the literature in individuals affected with BRCA2-related conditions. This variant is not present in population databases (gnomAD no frequency). This variant, c.3832_3837del, results in the deletion of 2 amino acid(s) of the BRCA2 protein (p.His1278_Asn1279del), but otherwise preserves the integrity of the reading frame.